The following is an entry in ClinVar:

NM_001385875.1(ZFYVE27):c.*367G>A

Gene: ZFYVE27 (zinc finger FYVE-type containing 27; plus strand). Cytogenetic location: 10q24.2.
Variant type: single nucleotide variant.
Coding change: c.*367G>A on transcript NM_001385875.1 (MANE Select); 367 bases downstream of the stop codon, G replaced by A.
Molecular consequence: 3 prime UTR variant. On other transcripts: non-coding transcript variant (17).
Genome position (GRCh38, 1-based): chr10:97,759,667, G>A. VCF-style: chr10-97759667-G-A. GRCh37 (hg19) VCF-style: chr10-99519424-G-A.
Other names: c.*367G>A (NM_001002261.4, NM_001002262.4, NM_001174119.2 and 39 more transcripts).
Identifiers: ClinVar variation 301847 (VCV000301847.6), dbSNP rs3814560, ClinGen allele CA10633021.

ClinVar aggregate classification (germline): Benign. Review status: criteria provided, multiple submitters, no conflicts (2 of 4 stars). 2 submissions from 2 submitters: Benign (2). Last evaluated 2018-01-12.

Conditions:
Hereditary spastic paraplegia 33. Also called: SPASTIC PARAPLEGIA 33, AUTOSOMAL DOMINANT. Identifiers: MedGen C1853251, MONDO:0012448, OMIM 610244.

Allele frequency attached by ClinVar (database versions not stated): 1000 Genomes Project 0.73423; 1000 Genomes Project 30x 0.73829; gnomAD exomes 0.75515; TOPMed 0.77668; gnomAD 0.78724 and 0.79317.

Submissions (2):

Illumina Laboratory Services, Illumina
Classification: Benign for Hereditary spastic paraplegia 33. Last evaluated: 2018-01-12. Review status: criteria provided, single submitter. Criteria: ICSL Variant Classification Criteria 13 December 2019. Collection method: clinical testing. Allele origin: germline.
Comment: This variant was observed in the ICSL laboratory as part of a predisposition screen in an ostensibly healthy population. It had not been previously curated by ICSL or reported in the Human Gene Mutation Database (HGMD: prior to June 1st, 2018), and was therefore a candidate for classification through an automated scoring system. Utilizing variant allele frequency, disease prevalence and penetrance estimates, and inheritance mode, an automated score was calculated to assess if this variant is too frequent to cause the disease. Based on the score and internal cut-off values, a variant classified as benign is not then subjected to further curation. The score for this variant resulted in a classification of benign for this disease.

Breakthrough Genomics
Classification: Benign. Review status: criteria provided, single submitter. Criteria: ACMG Guidelines, 2015. Collection method: not provided. Allele origin: germline. Inheritance: Autosomal dominant inheritance. Affected: yes.